The following is an entry in ClinVar:

ClinVar aggregate classification (germline): Benign. Review status: criteria provided, multiple submitters, no conflicts (2 of 4 stars). 2 submissions from 2 submitters: Benign (2). Last evaluated 2023-06-01.

Allele frequency attached by ClinVar (database versions not stated): 1000 Genomes Project 0.00140; 1000 Genomes Project 30x 0.00156; ExAC 0.00220; gnomAD exomes 0.00400 and 0.00789; TOPMed 0.00410; gnomAD 0.00494 and 0.00506.
gnomAD v4.1: 9,561 of 1,285,530 alleles (0.74%); highest among the groups gnomAD compares: Non-Finnish European, 0.9%; 50 homozygotes.

Submissions (2):

CeGaT Center for Human Genetics Tuebingen
Classification: Benign. Last evaluated: 2023-06-01. Review status: criteria provided, single submitter. Criteria: CeGaT Center For Human Genetics Tuebingen Variant Classification Criteria Version 2. Collection method: clinical testing. Allele origin: germline. Affected: yes. Observed: 13 variant alleles.
Comment: NFKB1: BS1, BS2

Breakthrough Genomics
Classification: Benign. Review status: criteria provided, single submitter. Criteria: ACMG Guidelines, 2015. Collection method: not provided. Allele origin: germline. Inheritance: Autosomal dominant inheritance. Affected: yes.

NM_003998.4(NFKB1):c.-8+9145A>G

Gene: NFKB1 (nuclear factor kappa B subunit 1; plus strand). Cytogenetic location: 4q24.
Variant type: single nucleotide variant.
Coding change: c.-8+9145A>G on transcript NM_003998.4 (MANE Select); 9145 bases into the intron after 8 bases upstream of the start codon, A replaced by G.
Molecular consequence: intron variant. On other transcripts: 5 prime UTR variant (3).
Genome position (GRCh38, 1-based): chr4:102,510,933, A>G. VCF-style: chr4-102510933-A-G. GRCh37 (hg19) VCF-style: chr4-103432090-A-G.
Other names: c.-24A>G (NM_001382625.1, NM_001382626.1, NM_001382627.1); c.-8+9145A>G (NM_001165412.2); c.-1+9145A>G (NM_001382628.1); c.-8+8766A>G (NM_001319226.2).
Identifiers: ClinVar variation 1675952 (VCV001675952.34), dbSNP rs188317269, ClinGen allele CA3025754.